The following is an entry in ClinVar:

ClinVar aggregate classification (germline): Uncertain significance (1 of 4 stars; one submission).

Submission:

Women's Health and Genetics/Laboratory Corporation of America, LabCorp
Classification: Uncertain significance. Last evaluated: 2025-02-03. Review status: criteria provided, single submitter. Criteria: LabCorp Variant Classification Summary - May 2015. Collection method: clinical testing. Allele origin: germline.
Comment: Variant summary: ASH1L c.112G>C (p.Glu38Gln) results in a conservative amino acid change in the encoded protein sequence. Four of five in-silico tools predict a benign effect of the variant on protein function. The variant was absent in 251470 control chromosomes. The available data on variant occurrences in the general population are insufficient to allow any conclusion about variant significance. To our knowledge, no occurrence of c.112G>C in individuals affected with Intellectual Disability, Autosomal Dominant 52 and no experimental evidence demonstrating its impact on protein function have been reported. No submitters have cited clinical-significance assessments for this variant to ClinVar. Based on the evidence outlined above, the variant was classified as uncertain significance.

NM_018489.3(ASH1L):c.112G>C (p.Glu38Gln)

Gene: ASH1L (ASH1 like histone lysine methyltransferase; minus strand). Cytogenetic location: 1q22.
Variant type: single nucleotide variant.
Coding change: c.112G>C on transcript NM_018489.3 (MANE Select); coding-DNA position 112, G replaced by C.
Protein change: p.Glu38Gln; replaces glutamic acid 38 with glutamine.
Molecular consequence: missense variant.
Genome position (GRCh38, 1-based): chr1:155,521,408, C>G on the plus strand (G>C on the coding strand, the complement: ASH1L is on the minus strand). VCF-style: chr1-155521408-C-G. GRCh37 (hg19) VCF-style: chr1-155491199-C-G.
Other names: c.112G>C, p.Glu38Gln (NM_001366177.2); short protein forms E38Q.
Identifiers: ClinVar variation 3768819 (VCV003768819.1).